The following is an entry in ClinVar:

NM_000088.4(COL1A1):c.4110C>A (p.Cys1370Ter)

Gene: COL1A1 (collagen type I alpha 1 chain; minus strand). Cytogenetic location: 17q21.33.
Variant type: single nucleotide variant.
Coding change: c.4110C>A on transcript NM_000088.4 (MANE Select); coding-DNA position 4110, C replaced by A.
Protein change: p.Cys1370Ter; replaces cysteine 1370 with a stop codon.
Molecular consequence: nonsense.
Genome position (GRCh38, 1-based): chr17:50,185,916, G>T on the plus strand (C>A on the coding strand, the complement: COL1A1 is on the minus strand). VCF-style: chr17-50185916-G-T. GRCh37 (hg19) VCF-style: chr17-48263277-G-T.
Other names: short protein forms C1370*.
Identifiers: ClinVar variation 280324 (VCV000280324.2), dbSNP rs886041552, ClinGen allele CA10603450.
Genomic context (GRCh38, chr17:50,185,916, plus strand): 5'-GAGGAGCAGGGCCTTCTTGAGGTTGCCAGTCTGCTGGTCCATGTAGGCCACGCTGTTCTT[G>T]CAGTGGTAGGTGATGTTCTGGGAGGCCTCGGTGGACATCAGGCGCAGGAAGGTCAGCTGG-3'

ClinVar aggregate classification (germline): Pathogenic (1 of 4 stars; one submission).

Submission:

GeneDx
Classification: Pathogenic. Last evaluated: 2016-02-27. Review status: criteria provided, single submitter. Criteria: GeneDx Variant Classification (06012015). Collection method: clinical testing. Allele origin: germline. Affected: yes.
Comment: The C1370X pathogenic variant in the COL1A1 gene has not been reported previously as a pathogenic variant nor as a benign variant, to our knowledge. This variant is predicted to cause loss of normal protein function either through protein truncation or nonsense-mediated mRNA decay. The C1370X variant was not observed in approximately 6,500 individuals of European and African American ancestry in the NHLBI Exome Sequencing Project, indicating it is not a common benign variant in these populations. We interpret C1370X as a pathogenic variant.